The following is an entry in ClinVar:

NM_001199397.3(NEK1):c.1360C>T (p.Gln454Ter)

Gene: NEK1 (NIMA related kinase 1; minus strand). Cytogenetic location: 4q33.
Variant type: single nucleotide variant.
Coding change: c.1360C>T on transcript NM_001199397.3 (MANE Select); coding-DNA position 1360, C replaced by T.
Protein change: p.Gln454Ter; replaces glutamine 454 with a stop codon.
Molecular consequence: nonsense. On other transcripts: non-coding transcript variant (1).
Genome position (GRCh38, 1-based): chr4:169,556,002, G>A on the plus strand (C>T on the coding strand, the complement: NEK1 is on the minus strand). VCF-style: chr4-169556002-G-A. GRCh37 (hg19) VCF-style: chr4-170477153-G-A.
Other names: c.1360C>T, p.Gln454Ter (NM_001199398.3, NM_001199400.3, NM_001374418.1 and 2 more transcripts); c.1285C>T, p.Gln429Ter (NM_001199399.3); c.1309C>T, p.Gln437Ter (NM_001374420.1); c.1234C>T, p.Gln412Ter (NM_001374421.1); short protein forms Q412*, Q429*, Q437*, Q454*.
Identifiers: ClinVar variation 3036055 (VCV003036055.3), dbSNP rs936818837, ClinGen allele CA109927282.

ClinVar aggregate classification (germline): Likely pathogenic (1 of 4 stars; one submission).

Conditions:
NEK1-related disorder. Also called: NEK1-related condition.

Allele frequency attached by ClinVar (database versions not stated): TOPMed below 0.00001.

Submission:

PreventionGenetics, part of Exact Sciences
Classification: Likely pathogenic for NEK1-related condition. Last evaluated: 2024-12-19. Review status: criteria provided, single submitter. Criteria: ACMG Guidelines, 2015. Collection method: clinical testing. Allele origin: germline.
Comment: The NEK1 c.1360C>T variant is predicted to result in premature protein termination (p.Gln454*). To our knowledge, this variant has not been reported in the literature or in a large population database, indicating this variant is rare. Nonsense variants in NEK1 are expected to be pathogenic. This protein-truncating variant is in exon 16 of 34, and multiple protein-truncating variants upstream and downstream of this variant have been reported (HGMD, ClinVar). This variant is interpreted as likely pathogenic.